The following is an entry in ClinVar:

ClinVar aggregate classification (germline): Benign. Review status: criteria provided, multiple submitters, no conflicts (2 of 4 stars). 5 submissions from 5 submitters: Benign (5). Last evaluated 2026-01-29.

Allele frequency attached by ClinVar (database versions not stated): gnomAD exomes 0.00369 and 0.00873; ExAC 0.00914; 1000 Genomes Project 0.02356; gnomAD 0.02361 and 0.02530; ESP Exome Variant Server 0.02542; 1000 Genomes Project 30x 0.02623; TOPMed 0.02631.
gnomAD v4.1: 9,291 of 1,613,692 alleles (0.58%); highest among the groups gnomAD compares: African/African-American, 7.3%; 278 homozygotes.

Submissions (5):

Labcorp Genetics (formerly Invitae), Labcorp
Classification: Benign. Last evaluated: 2026-01-29. Review status: criteria provided, single submitter. Criteria: Invitae Variant Classification Sherloc (09022015). Collection method: clinical testing. Allele origin: germline.

Mayo Clinic Laboratories, Mayo Clinic
Classification: Benign. Last evaluated: 2022-10-27. Review status: criteria provided, single submitter. Criteria: ACMG Guidelines, 2015. Collection method: clinical testing. Allele origin: germline. Observed: 14 variant alleles.

Athena Diagnostics
Classification: Benign. Last evaluated: 2019-09-30. Review status: criteria provided, single submitter. Criteria: Athena Diagnostics Criteria. Collection method: clinical testing. Allele origin: unknown.

GeneDx
Classification: Benign. Last evaluated: 2016-02-16. Review status: criteria provided, single submitter. Criteria: GeneDx Variant Classification (06012015). Collection method: clinical testing. Allele origin: germline. Affected: yes.
Comment: This variant is considered likely benign or benign based on one or more of the following criteria: it is a conservative change, it occurs at a poorly conserved position in the protein, it is predicted to be benign by multiple in silico algorithms, and/or has population frequency not consistent with disease.

Breakthrough Genomics
Classification: Benign. Review status: criteria provided, single submitter. Criteria: ACMG Guidelines, 2015. Collection method: not provided. Allele origin: germline. Inheritance: Autosomal recessive inheritance. Affected: yes.

NM_024678.6(NARS2):c.720G>A (p.Pro240=)

Gene: NARS2 (asparaginyl-tRNA synthetase 2, mitochondrial; minus strand). Cytogenetic location: 11q14.1.
Variant type: single nucleotide variant.
Coding change: c.720G>A on transcript NM_024678.6 (MANE Select); coding-DNA position 720, G replaced by A.
Protein change: p.Pro240=; no amino-acid change (proline 240 retained).
Molecular consequence: synonymous variant.
Genome position (GRCh38, 1-based): chr11:78,493,165, C>T on the plus strand (G>A on the coding strand, the complement: NARS2 is on the minus strand). VCF-style: chr11-78493165-C-T. GRCh37 (hg19) VCF-style: chr11-78204211-C-T.
Other names: p.Pro240=; c.39G>A, p.Pro13= (NM_001243251.2).
Identifiers: ClinVar variation 380849 (VCV000380849.14), dbSNP rs12285266, ClinGen allele CA6205728.